The following is an entry in ClinVar:

NM_007194.4(CHEK2):c.331G>T (p.Asp111Tyr)

Gene: CHEK2 (checkpoint kinase 2; minus strand). Cytogenetic location: 22q12.1.
Variant type: single nucleotide variant.
Coding change: c.331G>T on transcript NM_007194.4 (MANE Select); coding-DNA position 331, G replaced by T.
Protein change: p.Asp111Tyr; replaces aspartic acid 111 with tyrosine.
Molecular consequence: missense variant.
Genome position (GRCh38, 1-based): chr22:28,725,356, C>A on the plus strand (G>T on the coding strand, the complement: CHEK2 is on the minus strand). VCF-style: chr22-28725356-C-A. GRCh37 (hg19) VCF-style: chr22-29121344-C-A.
Other names: c.460G>T, p.Asp154Tyr (NM_001005735.3); c.-447G>T (NM_001257387.3); c.331G>T, p.Asp111Tyr (NM_001349956.3, NM_145862.3); short protein forms D111Y, D154Y.
Identifiers: ClinVar variation 571561 (VCV000571561.10), dbSNP rs1569159072, ClinGen allele CA411108259.

ClinVar aggregate classification (germline): Uncertain significance. Review status: criteria provided, multiple submitters, no conflicts (2 of 4 stars). 2 submissions from 2 submitters: Uncertain significance (2). Last evaluated 2024-03-06.

Conditions:
Familial cancer of breast. Also called: hereditary breast carcinoma; BREAST CANCER, FAMILIAL; Hereditary breast cancer. Identifiers: Orphanet 227535, MedGen C0346153, MONDO:0016419, OMIM 114480. Disease mechanism: loss of function.

Allele frequency attached by ClinVar (database versions not stated): gnomAD exomes below 0.00001.
gnomAD v4.1: 1 of 1,614,090 alleles (0.000062%); highest among the groups gnomAD compares: Non-Finnish European, 0.000085%; no homozygotes.

Submissions (2):

Labcorp Genetics (formerly Invitae), Labcorp
Classification: Uncertain significance for Familial cancer of breast. Last evaluated: 2024-03-06. Review status: criteria provided, single submitter. Criteria: Invitae Variant Classification Sherloc (09022015). Collection method: clinical testing. Allele origin: germline.
Comment: This sequence change replaces aspartic acid, which is acidic and polar, with tyrosine, which is neutral and polar, at codon 111 of the CHEK2 protein (p.Asp111Tyr). This variant is not present in population databases (gnomAD no frequency). This variant has not been reported in the literature in individuals affected with CHEK2-related conditions. ClinVar contains an entry for this variant (Variation ID: 571561). An algorithm developed to predict the effect of missense changes on protein structure and function (PolyPhen-2) suggests that this variant is likely to be disruptive. In summary, the available evidence is currently insufficient to determine the role of this variant in disease. Therefore, it has been classified as a Variant of Uncertain Significance.

Mendelics
Classification: Uncertain significance for Familial cancer of breast. Last evaluated: 2018-07-02. Review status: criteria provided, single submitter. Criteria: Mendelics Assertion Criteria 2017. Collection method: clinical testing. Allele origin: unknown.